The following is an entry in ClinVar:

ClinVar aggregate classification (germline): Likely benign (1 of 4 stars; one submission).

Submission:

CeGaT Center for Human Genetics Tuebingen
Classification: Likely benign. Last evaluated: 2024-10-01. Review status: criteria provided, single submitter. Criteria: CeGaT Center For Human Genetics Tuebingen Variant Classification Criteria Version 2. Collection method: clinical testing. Allele origin: germline. Affected: yes. Observed: 1 variant allele.
Comment: ULK4: PM2:Supporting, BP4, BP7

NM_017886.4(ULK4):c.435G>T (p.Val145=)

Gene: ULK4 (unc-51 like kinase 4; minus strand). Cytogenetic location: 3p22.1.
Variant type: single nucleotide variant.
Coding change: c.435G>T on transcript NM_017886.4 (MANE Select); coding-DNA position 435, G replaced by T.
Protein change: p.Val145=; no amino-acid change (valine 145 retained).
Molecular consequence: synonymous variant. On other transcripts: 5 prime UTR variant (1), non-coding transcript variant (1).
Genome position (GRCh38, 1-based): chr3:41,931,950, C>A on the plus strand (G>T on the coding strand, the complement: ULK4 is on the minus strand). VCF-style: chr3-41931950-C-A. GRCh37 (hg19) VCF-style: chr3-41973442-C-A.
Other names: c.435G>T, p.Val145= (NM_001322500.2); c.-396G>T (NM_001322501.2).
Identifiers: ClinVar variation 3388873 (VCV003388873.14).